The following is an entry in ClinVar:

ClinVar aggregate classification (germline): Uncertain significance. Review status: criteria provided, multiple submitters, no conflicts (2 of 4 stars). 2 submissions from 2 submitters: Uncertain significance (2). Last evaluated 2025-09-10.

Allele frequency attached by ClinVar (database versions not stated): gnomAD 0.00002; 1000 Genomes Project 30x 0.00016; 1000 Genomes Project 0.00020.
gnomAD v4.1: 23 of 1,613,878 alleles (0.0014%); highest among the groups gnomAD compares: East Asian, 0.049%; no homozygotes.

Submissions (2):

Women's Health and Genetics/Laboratory Corporation of America, LabCorp
Classification: Uncertain significance. Last evaluated: 2025-09-10. Review status: criteria provided, single submitter. Criteria: LabCorp Variant Classification Summary - May 2015. Collection method: clinical testing. Allele origin: germline.
Comment: Variant summary: FAT4 c.502G>C (p.Gly168Arg) results in a non-conservative amino acid change in the encoded protein sequence. Algorithms developed to predict the effect of missense changes on protein structure and function all suggest that this variant is likely to be disruptive. The variant allele was found at a frequency of 3.2e-05 in 248880 control chromosomes. The available data on variant occurrences in the general population are insufficient to allow any conclusion about variant significance. To our knowledge, no occurrence of c.502G>C in individuals affected with FAT4-related conditions and no experimental evidence demonstrating its impact on protein function have been reported. ClinVar contains an entry for this variant (Variation ID: 2575693). Based on the evidence outlined above, the variant was classified as uncertain significance.

GeneDx
Classification: Uncertain significance. Last evaluated: 2023-02-14. Review status: criteria provided, single submitter. Criteria: GeneDx Variant Classification Process June 2021. Collection method: clinical testing. Allele origin: germline. Affected: yes.
Comment: In silico analysis supports that this missense variant has a deleterious effect on protein structure/function; Has not been previously published as pathogenic or benign to our knowledge

NM_001291303.3(FAT4):c.502G>C (p.Gly168Arg)

Gene: FAT4 (FAT atypical cadherin 4; plus strand). Cytogenetic location: 4q28.1.
Variant type: single nucleotide variant.
Coding change: c.502G>C on transcript NM_001291303.3 (MANE Select); coding-DNA position 502, G replaced by C.
Protein change: p.Gly168Arg; replaces glycine 168 with arginine.
Molecular consequence: missense variant.
Genome position (GRCh38, 1-based): chr4:125,316,913, G>C. VCF-style: chr4-125316913-G-C. GRCh37 (hg19) VCF-style: chr4-126238068-G-C.
Other names: c.502G>C, p.Gly168Arg (NM_001291285.3, NM_024582.6); short protein forms G168R.
Identifiers: ClinVar variation 2575693 (VCV002575693.2), dbSNP rs554549454, ClinGen allele CA3071818.
Genomic context (GRCh38, chr4:125,316,913, plus strand): 5'-AGTAGCAGCGGACGCCAAGTCATCTTAGACACCGCCACCGACTCGGACATCGGCTCAAAC[G>C]GTGTGGACCACCGCTCCTACCGCATCATCCGCGGCAATGAGGCGGGGCGCTTCCGTCTGG-3'
Protein context (NP_001278232.1, residues 158-178): TATDSDIGSN[Gly168Arg]VDHRSYRIIR